The following is an entry in ClinVar:

ClinVar aggregate classification (germline): not provided (0 of 4 stars; one submission).

Conditions:
Normal pregnancy. Identifiers: MedGen C0232989.

Submission:

Institute of Molecular and Cell Biology, University of Tartu
No classification provided. Condition: Normal pregnancy. Review status: no classification provided. Collection method: case-control. Allele origin: unknown. Affected: yes. Study: Kasak2014.
Comment: The study aimed to determine the contribution of copy number variants in the genetic etiology of normal and complicated pregnancies. The samples represented (i) maternal blood DNA drawn from healthy pregnant women during 1st or 2nd trimester and (ii) maternal and paternal blood DNA drawn at term pregnancy cases representing normal and complicated gestations (severe preeclampsia, PE; gestational diabetes, GD; small-for-gestational age newborn, SGA; large-for-gestational age newborn, LGA). We performed CNV calling based on genome-wide genotyping dataset (Illumina HumanOmniExpress-24-v1 BeadChip) by applying three algorithms, QuantiSNP, GADA (Genome Alteration Detection Algorithm) and CNstream in parallel. The acquired CNV calls were merged with HD-CNV (Hotspot Detector for Copy Number Variants) program and only the CNVs predicted by at least two programs, were considered in subsequent analysis.

Literature cited by the submitters: PubMed 25666259.

NM_001001674.1(OR4F15):c.-19963_8460dup

Genes: OR4F15 (olfactory receptor family 4 subfamily F member 15; plus strand), OR4F6 (olfactory receptor family 4 subfamily F member 6; plus strand). Cytogenetic location: 15q26.3.
Variant type: Duplication.
Coding change: c.-19963_8460dup on transcript NM_001001674.1; 19963 bases upstream of the start codon through coding-DNA position 8460, this stretch duplicated.
Identifiers: ClinVar variation 157354 (VCV000157354.2).